The following is an entry in ClinVar:

NM_001379200.1(TBX1):c.1386C>A (p.His462Gln)

Gene: TBX1 (T-box transcription factor 1; plus strand). Cytogenetic location: 22q11.21.
Variant type: single nucleotide variant.
Coding change: c.1386C>A on transcript NM_001379200.1 (MANE Select); coding-DNA position 1386, C replaced by A.
Protein change: p.His462Gln; replaces histidine 462 with glutamine.
Molecular consequence: missense variant. On other transcripts: intron variant (2).
Genome position (GRCh38, 1-based): chr22:19,766,738, C>A. VCF-style: chr22-19766738-C-A. GRCh37 (hg19) VCF-style: chr22-19754261-C-A.
Other names: c.1359C>A, p.His453Gln (NM_080647.1); c.1009+736C>A (NM_005992.1, NM_080646.2); short protein forms H453Q, H462Q.
Identifiers: ClinVar variation 1524415 (VCV001524415.8), dbSNP rs1172793466, ClinGen allele CA410685249.
Genomic context (GRCh38, chr22:19,766,738, plus strand): 5'-GGCGCCCTACCCGCTGCCCGGCCTGCGTGGCCACGGCTACCACCCGCACGCGCATCCGCA[C>A]CACCACCACCACCCCGTGAGTCCAGCCGCCGCGGCCGCCGCCGCCGCTGCCGCAGCTGCC-3'
Protein context (NP_001366129.1, residues 452-472): GHGYHPHAHP[His462Gln]HHHHPVSPAA

ClinVar aggregate classification (germline): Uncertain significance (1 of 4 stars; one submission).

Conditions:
DiGeorge syndrome. Also called: THIRD AND FOURTH PHARYNGEAL POUCH SYNDROME; Catch22. Identifiers: Orphanet 567, MedGen C0012236, MONDO:0008564, OMIM 188400.

Allele frequency attached by ClinVar (database versions not stated): gnomAD exomes 0.00002.

Submission:

Labcorp Genetics (formerly Invitae), Labcorp
Classification: Uncertain significance for DiGeorge syndrome. Last evaluated: 2025-06-24. Review status: criteria provided, single submitter. Criteria: Invitae Variant Classification Sherloc (09022015). Collection method: clinical testing. Allele origin: germline.
Comment: This sequence change replaces histidine, which is basic and polar, with glutamine, which is neutral and polar, at codon 453 of the TBX1 protein (p.His453Gln). This variant is present in population databases (no rsID available, gnomAD 0.01%). This variant has not been reported in the literature in individuals affected with TBX1-related conditions. ClinVar contains an entry for this variant (Variation ID: 1524415). An algorithm developed to predict the effect of missense changes on protein structure and function (PolyPhen-2) suggests that this variant is likely to be disruptive. In summary, the available evidence is currently insufficient to determine the role of this variant in disease. Therefore, it has been classified as a Variant of Uncertain Significance.